The following is an entry in ClinVar:

NM_005045.4(RELN):c.4008A>C (p.Glu1336Asp)

Gene: RELN (reelin; minus strand). Cytogenetic location: 7q22.1.
Variant type: single nucleotide variant.
Coding change: c.4008A>C on transcript NM_005045.4 (MANE Select); coding-DNA position 4008, A replaced by C.
Protein change: p.Glu1336Asp; replaces glutamic acid 1336 with aspartic acid.
Molecular consequence: missense variant.
Genome position (GRCh38, 1-based): chr7:103,589,733, T>G on the plus strand (A>C on the coding strand, the complement: RELN is on the minus strand). VCF-style: chr7-103589733-T-G. GRCh37 (hg19) VCF-style: chr7-103230180-T-G.
Other names: c.4008A>C, p.Glu1336Asp (NM_173054.3); short protein forms E1336D.
Identifiers: ClinVar variation 1383590 (VCV001383590.6), dbSNP rs2117239786, ClinGen allele CA368756138.
Genomic context (GRCh38, chr7:103,589,733, plus strand): 5'-CTCACTTAGTTCTCTGGAGTTTCCTTCGCATCCTTTGCCTGCAGAAGCCGGGTAACAGCC[T>G]TCTTTCACCAGAAACCAGGACATACCAGCATCATGAGAGTACTGAAGAAGAACTGGAGCA-3'
Protein context (NP_005036.2, residues 1326-1346): DAGMSWFLVK[Glu1336Asp]GCYPASAGKG

ClinVar aggregate classification (germline): Uncertain significance (1 of 4 stars; one submission).

Conditions:
Norman-Roberts syndrome (LIS2). Also called: Lissencephaly 2 (Norman-Roberts type). Identifiers: Orphanet 89844, MedGen C0796089, MONDO:0009760, OMIM 257320.
Familial temporal lobe epilepsy 7. Identifiers: Orphanet 101046, MedGen C4225327, MONDO:0014639, OMIM 616436.

Submission:

Labcorp Genetics (formerly Invitae), Labcorp
Classification: Uncertain significance for Familial temporal lobe epilepsy 7; Norman-Roberts syndrome. Last evaluated: 2023-05-20. Review status: criteria provided, single submitter. Criteria: Invitae Variant Classification Sherloc (09022015). Collection method: clinical testing. Allele origin: germline.
Comment: In summary, the available evidence is currently insufficient to determine the role of this variant in disease. Therefore, it has been classified as a Variant of Uncertain Significance. This sequence change replaces glutamic acid, which is acidic and polar, with aspartic acid, which is acidic and polar, at codon 1336 of the RELN protein (p.Glu1336Asp). This variant is not present in population databases (gnomAD no frequency). This variant has not been reported in the literature in individuals affected with RELN-related conditions. ClinVar contains an entry for this variant (Variation ID: 1383590). Advanced modeling of protein sequence and biophysical properties (such as structural, functional, and spatial information, amino acid conservation, physicochemical variation, residue mobility, and thermodynamic stability) performed at Invitae indicates that this missense variant is not expected to disrupt RELN protein function.